The following is an entry in ClinVar:

ClinVar aggregate classification (germline): Conflicting classifications of pathogenicity. Review status: criteria provided, conflicting classifications (1 of 4 stars). 4 submissions from 4 submitters: Uncertain significance (2); Likely benign (2). Last evaluated 2025-11-24.

Conditions:
Inborn genetic diseases. Identifiers: MedGen C0950123, MeSH D030342.

Allele frequency attached by ClinVar (database versions not stated): gnomAD exomes below 0.00001; gnomAD 0.00001; TOPMed 0.00001.

Submissions (4):

Dasa
Classification: Uncertain significance. Last evaluated: 2025-11-24. Review status: criteria provided, single submitter. Criteria: DASA Assertion Criteria. Collection method: clinical testing. Allele origin: germline.
Comment: NM_138927.4(SON):c.5017_5019del (p.Asn1673del) is an in-frame deletion predicted to remove asparagine at protein position 1673 without shifting the reading frame. This variant is rare in population databases. The currently available literature and clinical evidence are not sufficient to establish a definitive association between this variant and the reported condition. Therefore, this variant is classified as a variant of uncertain significance.

Labcorp Genetics (formerly Invitae), Labcorp
Classification: Likely benign. Last evaluated: 2024-09-17. Review status: criteria provided, single submitter. Criteria: Invitae Variant Classification Sherloc (09022015). Collection method: clinical testing. Allele origin: germline.

Ambry Genetics
Classification: Likely benign for Inborn genetic diseases. Last evaluated: 2021-11-19. Review status: criteria provided, single submitter. Criteria: Ambry Variant Classification Scheme 2023. Collection method: clinical testing. Allele origin: germline.

GeneDx
Classification: Uncertain significance. Last evaluated: 2019-07-29. Review status: criteria provided, single submitter. Criteria: GeneDx Variant Classification Process June 2021. Collection method: clinical testing. Allele origin: germline. Affected: yes.
Comment: Not observed in large population cohorts (Lek et al., 2016); In-frame deletion of 1 amino acid in a non-repeat region; Has not been previously published as pathogenic or benign to our knowledge

NM_138927.4(SON):c.5017_5019del (p.Asn1673del)

Gene: SON (SON DNA and RNA binding protein; plus strand). Cytogenetic location: 21q22.11.
Variant type: Deletion.
Coding change: c.5017_5019del on transcript NM_138927.4 (MANE Select); coding-DNA positions 5017 to 5019, 3 bases deleted (AAC; older notation c.5017_5019delAAC).
Protein change: p.Asn1673del; deletes asparagine 1673.
Molecular consequence: inframe deletion. On other transcripts: non-coding transcript variant (1), intron variant (1).
Genome position (GRCh38, 1-based): chr21:33,554,248-33,554,250, AAC deleted. VCF-style (leftmost placement, unchanged base first): chr21-33554247-TAAC-T. GRCh37 (hg19) VCF-style: chr21-34926553-TAAC-T.
Other names: c.5017_5019del, p.Asn1673del (NM_001291411.2, NM_032195.3); c.245-2908_245-2906del (NM_001291412.3); c.5017_5019delAAC (NM_138927.1); short protein forms N1673del.
Identifiers: ClinVar variation 1307327 (VCV001307327.9), dbSNP rs1347277368, ClinGen allele CA748801527.